The following is an entry in ClinVar:

NM_001379500.1(COL18A1):c.2360C>T (p.Pro787Leu)

Gene: COL18A1 (collagen type XVIII alpha 1 chain; plus strand). Cytogenetic location: 21q22.3.
Variant type: single nucleotide variant.
Coding change: c.2360C>T on transcript NM_001379500.1 (MANE Select); coding-DNA position 2360, C replaced by T.
Protein change: p.Pro787Leu; replaces proline 787 with leucine.
Molecular consequence: missense variant.
Genome position (GRCh38, 1-based): chr21:45,494,552, C>T. VCF-style: chr21-45494552-C-T. GRCh37 (hg19) VCF-style: chr21-46914466-C-T.
Other names: NM_130445.2:c.2360C>T; c.2900C>T, p.Pro967Leu (NM_030582.4); c.3605C>T, p.Pro1202Leu (NM_130444.3); short protein forms P787L, P1202L, P967L.
Identifiers: ClinVar variation 1952422 (VCV001952422.3), dbSNP rs367994730, ClinGen allele CA10067021.

ClinVar aggregate classification (germline): Uncertain significance. Review status: criteria provided, multiple submitters, no conflicts (2 of 4 stars). 2 submissions from 2 submitters: Uncertain significance (2). Last evaluated 2025-12-16.

Conditions:
Inborn genetic diseases. Identifiers: MedGen C0950123, MeSH D030342.

Allele frequency attached by ClinVar (database versions not stated): ExAC 0.00002; TOPMed 0.00002; ESP Exome Variant Server 0.00008.
gnomAD v4.1: 17 of 1,613,352 alleles (0.0011%); highest among the groups gnomAD compares: Admixed American, 0.0017%; no homozygotes.

Submissions (2):

Ambry Genetics
Classification: Uncertain significance for Inborn genetic diseases. Last evaluated: 2025-12-16. Review status: criteria provided, single submitter. Criteria: Ambry Variant Classification Scheme 2023. Collection method: clinical testing. Allele origin: germline.

Labcorp Genetics (formerly Invitae), Labcorp
Classification: Uncertain significance. Last evaluated: 2022-08-06. Review status: criteria provided, single submitter. Criteria: Invitae Variant Classification Sherloc (09022015). Collection method: clinical testing. Allele origin: germline.
Comment: This sequence change replaces proline, which is neutral and non-polar, with leucine, which is neutral and non-polar, at codon 787 of the COL18A1 protein (p.Pro787Leu). This variant is present in population databases (rs367994730, gnomAD 0.003%). This variant has not been reported in the literature in individuals affected with COL18A1-related conditions. Experimental studies and prediction algorithms are not available or were not evaluated, and the functional significance of this variant is currently unknown. In summary, the available evidence is currently insufficient to determine the role of this variant in disease. Therefore, it has been classified as a Variant of Uncertain Significance.